The following is an entry in ClinVar:

ClinVar aggregate classification (germline): Pathogenic (1 of 4 stars; one submission).

Conditions:
Primary ciliary dyskinesia. Also called: Ciliary dyskinesia. Identifiers: Orphanet 244, MedGen C0008780, MONDO:0016575, HP:0012265.

gnomAD v4.1: 1 of 1,610,916 alleles (0.000062%); highest among the groups gnomAD compares: Non-Finnish European, 0.000085%; no homozygotes.

Submission:

Labcorp Genetics (formerly Invitae), Labcorp
Classification: Pathogenic for Primary ciliary dyskinesia. Last evaluated: 2024-12-26. Review status: criteria provided, single submitter. Criteria: Invitae Variant Classification Sherloc (09022015). Collection method: clinical testing. Allele origin: germline.
Comment: This sequence change creates a premature translational stop signal (p.Trp1750*) in the DNAH11 gene. It is expected to result in an absent or disrupted protein product. Loss-of-function variants in DNAH11 are known to be pathogenic (PMID: 18022865, 20513915, 22184204). This variant is present in population databases (no rsID available, gnomAD 0.0009%). This variant has not been reported in the literature in individuals affected with DNAH11-related conditions. Algorithms developed to predict the effect of sequence changes on RNA splicing suggest that this variant may disrupt the consensus splice site. For these reasons, this variant has been classified as Pathogenic.

Literature cited by the submitters: PubMed 18022865; PubMed 20513915; PubMed 22184204.

NM_001277115.2(DNAH11):c.5249G>A (p.Trp1750Ter)

Gene: DNAH11 (dynein axonemal heavy chain 11; plus strand). Cytogenetic location: 7p15.3.
Variant type: single nucleotide variant.
Coding change: c.5249G>A on transcript NM_001277115.2 (MANE Select); coding-DNA position 5249, G replaced by A.
Protein change: p.Trp1750Ter; replaces tryptophan 1750 with a stop codon.
Molecular consequence: nonsense.
Genome position (GRCh38, 1-based): chr7:21,658,952, G>A. VCF-style: chr7-21658952-G-A. GRCh37 (hg19) VCF-style: chr7-21698570-G-A.
Other names: short protein forms W1750*.
Identifiers: ClinVar variation 3604008 (VCV003604008.2).